The following is an entry in ClinVar:

NC_000010.10:g.(?_79397003)_(79397400_?)dup

Gene: KCNMA1 (potassium calcium-activated channel subfamily M alpha 1; minus strand). Cytogenetic location: 10q22.3.
Variant type: Duplication.
Identifiers: ClinVar variation 3244839 (VCV003244839.1).

ClinVar aggregate classification (germline): Uncertain significance (1 of 4 stars; one submission).

Conditions:
Generalized epilepsy-paroxysmal dyskinesia syndrome (PNKD3). Also called: Generalized epilepsy and paroxysmal dyskinesia; Paroxysmal nonkinesigenic dyskinesia, 3, with or without generalized epilepsy. Identifiers: Orphanet 79137, MedGen C5574945, MONDO:0012276, OMIM 609446.

Submission:

Labcorp Genetics (formerly Invitae), Labcorp
Classification: Uncertain significance for Generalized epilepsy-paroxysmal dyskinesia syndrome. Last evaluated: 2023-11-03. Review status: criteria provided, single submitter. Criteria: Invitae Variant Classification Sherloc (09022015). Collection method: clinical testing. Allele origin: unknown.
Comment: This variant results in a copy number gain of the genomic region encompassing exon(s) 1 of the KCNMA1 gene. This region includes the initiator codon of the gene. This copy number gain extends beyond the assayed region for this gene and therefore may encompass additional genes. As the precise location of this event is unknown, it may be in tandem or it may be located elsewhere in the genome. This variant has not been reported in the literature in individuals affected with KCNMA1-related conditions. In summary, the available evidence is currently insufficient to determine the role of this variant in disease. Therefore, it has been classified as a Variant of Uncertain Significance.